The following is an entry in ClinVar:

NM_001148.6(ANK2):c.741C>A (p.Asn247Lys)

Gene: ANK2 (ankyrin 2; plus strand). Cytogenetic location: 4q26.
Variant type: single nucleotide variant.
Coding change: c.741C>A on transcript NM_001148.6 (MANE Select); coding-DNA position 741, C replaced by A.
Protein change: p.Asn247Lys; replaces asparagine 247 with lysine.
Molecular consequence: missense variant.
Genome position (GRCh38, 1-based): chr4:113,240,532, C>A. VCF-style: chr4-113240532-C-A. GRCh37 (hg19) VCF-style: chr4-114161688-C-A.
Other names: c.678C>A, p.Asn226Lys (NM_001127493.3, NM_001354239.2, NM_001354243.2 and 14 more transcripts); c.741C>A, p.Asn247Lys (NM_001354225.2, NM_001354228.2, NM_001354232.2 and 9 more transcripts); c.786C>A, p.Asn262Lys (NM_001354230.2, NM_001354231.2, NM_001354237.2 and 5 more transcripts); c.654C>A, p.Asn218Lys (NM_001354249.2, NM_001354260.2, NM_001354264.2 and 16 more transcripts); c.699C>A, p.Asn233Lys (NM_001354261.2, NM_001386147.1, NM_001386160.1); c.729C>A, p.Asn243Lys (NM_001354269.3, NM_001386148.2, NM_001386186.2); c.792C>A, p.Asn264Lys (NM_001386174.1); c.768C>A, p.Asn256Lys (NM_001386175.1); and 1 more; short protein forms N218K, N226K, N233K, N235K, N243K, N247K, N256K, N262K.
Identifiers: ClinVar variation 2576912 (VCV002576912.1), dbSNP rs190102899, ClinGen allele CA357918716.

ClinVar aggregate classification (germline): Uncertain significance (1 of 4 stars; one submission).

Submission:

GeneDx
Classification: Uncertain significance. Last evaluated: 2023-02-20. Review status: criteria provided, single submitter. Criteria: GeneDx Variant Classification Process June 2021. Collection method: clinical testing. Allele origin: germline. Affected: yes.
Comment: Not observed at significant frequency in large population cohorts (gnomAD); In silico analysis supports that this missense variant has a deleterious effect on protein structure/function; Has not been previously published as pathogenic or benign to our knowledge